The following is an entry in ClinVar:

ClinVar aggregate classification (germline): Uncertain significance (1 of 4 stars; one submission).

Submission:

GeneDx
Classification: Uncertain significance. Last evaluated: 2019-08-23. Review status: criteria provided, single submitter. Criteria: GeneDx Variant Classification Process June 2021. Collection method: clinical testing. Allele origin: germline. Affected: yes.
Comment: Not observed in large population cohorts (Lek et al., 2016); Frameshift variant predicted to result in protein truncation as the last 51 amino acids are lost and replaced with 16 incorrect amino acids, although loss-of-function variants have not been reported downstream of this position in the protein; Has not been previously published as pathogenic or benign to our knowledge; Variants in candidate genes are classified as variants of uncertain significance in accordance with ACMG guidelines (Richards et al., 2015)

NM_001367873.1(SOX6):c.2330_2333dup (p.Ser778fs)

Gene: SOX6 (SRY-box transcription factor 6; minus strand). Cytogenetic location: 11p15.2.
Variant type: Microsatellite.
Coding change: c.2330_2333dup on transcript NM_001367873.1 (MANE Select); coding-DNA positions 2330 to 2333, 4 bases duplicated (AGAG; older notation c.2330_2333dupAGAG).
Protein change: p.Ser778fs; shifts the reading frame from serine 778.
Molecular consequence: frameshift variant.
Genome position (GRCh38, 1-based): chr11:15,972,963-15,972,966, CTCT duplicated on the plus strand (AGAG on the coding strand, the reverse complement: SOX6 is on the minus strand). VCF-style (leftmost placement, unchanged base first): chr11-15972962-G-GCTCT. GRCh37 (hg19) VCF-style: chr11-15994508-G-GCTCT.
Other names: c.2249_2252dup, p.Ser751fs (NM_001145811.2, NM_017508.3); c.2330_2333dup, p.Ser778fs (NM_001145819.2); c.2207_2210dup, p.Ser737fs (NM_001367872.1); c.2270_2273dup, p.Ser758fs (NM_033326.3); short protein forms S737fs, S751fs, S758fs, S778fs.
Identifiers: ClinVar variation 1316591 (VCV001316591.2), dbSNP rs2119762297, ClinGen allele CA2580615635.
Genomic context (GRCh38, chr11:15,972,962, plus strand): 5'-CTCTCCATTGATCATTTCATTTCCAGCTAGGCTTCCGCCATCTGTCTTCATACCATAAGT[G>GCTCT]CTCTGGATGACCGGGAGGCTGGGCTCCGGGCTGGCCGAGGTGCTAGAGCAGTCAGATGTC-3'